The following is an entry in ClinVar:

NM_015474.4(SAMHD1):c.1747-835A>C

Genes: SAMHD1 (SAM and HD domain containing deoxynucleoside triphosphate triphosphohydrolase 1; minus strand), TLDC2 (TBC/LysM-associated domain containing 2; plus strand). Cytogenetic location: 20q11.23.
Variant type: single nucleotide variant.
Coding change: c.1747-835A>C on transcript NM_015474.4 (MANE Select); 835 bases into the intron before coding-DNA position 1747, A replaced by C.
Molecular consequence: intron variant. On other transcripts: 3 prime UTR variant (3).
Genome position (GRCh38, 1-based): chr20:36,893,901, T>G on the plus strand (A>C on the coding strand, the complement: SAMHD1 is on the minus strand). VCF-style: chr20-36893901-T-G. GRCh37 (hg19) VCF-style: chr20-35522304-T-G.
Other names: c.*1057T>G (NM_001304783.1, NM_080628.3); c.*5A>C (NM_001363733.2); c.1642-835A>C (NM_001363729.2).
Identifiers: ClinVar variation 3035616 (VCV003035616.2), dbSNP rs542743696, ClinGen allele CA314278370.

ClinVar aggregate classification (germline): Likely benign (0 of 4 stars; one submission).

Conditions:
SAMHD1-related disorder. Also called: SAMHD1-related condition.

Allele frequency attached by ClinVar (database versions not stated): gnomAD exomes 0.00031; 1000 Genomes Project 0.00120; 1000 Genomes Project 30x 0.00141; gnomAD 0.00203; TOPMed 0.00234.
gnomAD v4.1: 392 of 398,584 alleles (0.098%); highest among the groups gnomAD compares: African/African-American, 0.68%; no homozygotes.

Submission:

PreventionGenetics, part of Exact Sciences
Classification: Likely benign for SAMHD1-related condition. Last evaluated: 2019-08-13. Review status: no assertion criteria provided. Collection method: clinical testing. Allele origin: germline.
Comment: This variant is classified as likely benign based on ACMG/AMP sequence variant interpretation guidelines (Richards et al. 2015 PMID: 25741868, with internal and published modifications).